The following is an entry in ClinVar:

NM_001292034.3(TAB2):c.657dup (p.Thr220fs)

Genes: TAB2 (TGF-beta activated kinase 1 (MAP3K7) binding protein 2; plus strand), LOC126859827 (BRD4-independent group 4 enhancer GRCh37_chr6:149699707-149700906; plus strand). Cytogenetic location: 6q25.1.
Variant type: Duplication.
Coding change: c.657dup on transcript NM_001292034.3 (MANE Select); coding-DNA position 657, one base duplicated (T; older notation c.657dupT).
Protein change: p.Thr220fs; shifts the reading frame from threonine 220.
Molecular consequence: frameshift variant.
Genome position (GRCh38, 1-based): chr6:149,378,572, T duplicated; the last of 2 consecutive T bases (chr6:149,378,571-149,378,572); duplicating either gives the same sequence. VCF-style (leftmost placement, unchanged base first): chr6-149378570-A-AT. GRCh37 (hg19) VCF-style: chr6-149699706-A-AT.
Other names: c.561dup, p.Thr188fs (NM_001292035.3); c.657dup, p.Thr220fs (NM_001369506.1, NM_015093.6); short protein forms T188fs, T220fs.
Identifiers: ClinVar variation 4526546 (VCV004526546.1).

ClinVar aggregate classification (germline): Likely pathogenic (1 of 4 stars; one submission).

Conditions:
Congenital heart defects, multiple types, 2 (CHTD2). Also called: Congenital heart defects, nonsyndromic, 2. Identifiers: Orphanet 664401, MedGen C3554279, MONDO:0014000, OMIM 614980.

Submission:

MVZ Medizinische Genetik Mainz
Classification: Likely pathogenic for Congenital heart defects, multiple types, 2. Last evaluated: 2025-09-17. Review status: criteria provided, single submitter. Criteria: UK Practice Guidelines For Variant Classification V4 01 2020. Collection method: clinical testing. Allele origin: germline. Inheritance: Autosomal dominant inheritance. Affected: yes. Observed: 1 variant allele.
Comment: ACMG Criteria: PVS1,PM2_SUP